The following is an entry in ClinVar:

ClinVar aggregate classification (germline): Pathogenic (0 of 4 stars; one submission).

Conditions:
Malignant tumor of breast. Also called: Malignant breast neoplasm; Cancer breast. Identifiers: MedGen C0006142, MONDO:0007254. Disease mechanism: loss of function.

Submission:

Department of Pathology and Laboratory Medicine, Sinai Health System
Classification: Pathogenic for Malignant tumor of breast. Review status: no assertion criteria provided. Collection method: clinical testing. Allele origin: unknown. Affected: yes. Study: The Canadian Open Genetics Repository (COGR).
Comment: The CDH1 c.2440-?_2649+?del variant (chr:16 g.68867193_68867402del GRCh37) results in a deletion of exon 16, although the precise breakpoints of this deletion were not determined, nor were the effects of this variant on the resulting mRNA or protein product determined. The CDH1 c.2440-?_2649+?del variant was identified in 1 of 320 proband chromosomes (frequency: 0.003125) from individuals or families with Hereditary Diffuse Gastric Cancer (Oliveira 2009). The variant was not identified in dbSNP, ClinVar, Cosmic, MutDB, Insight Colon Cancer Gene Variant Database, Zhejiang Colon Cancer databases. The variant was not identified in the 1000 Genomes Project, the NHLBI GO Exome Sequencing Project or the Exome Aggregation Consortium (August 8th 2016) control databases. This alteration is predicted to result in a truncated or absent protein and loss of function. Loss of function variants of the CDH1 gene are an established mechanism of disease in hereditary diffuse gastric cancer and is the type of variant expected to cause the disorder. Variants in the CDH1 gene also confer an elevated risk of lobular breast cancer (Guilford 2010). In summary, based on the above information this variant meets our laboratoryâ€šÃ„Ã´s criteria to be classified as pathogenic.

NM_004360.5(CDH1):c.2440-2_*1del

Gene: CDH1 (cadherin 1; plus strand). Cytogenetic location: 16q22.1.
Variant type: Deletion.
Coding change: c.2440-2_*1del on transcript NM_004360.5 (MANE Select); the canonical splice acceptor site of the intron before coding-DNA position 2440 through 1 bases downstream of the stop codon, 213 bases deleted.
Molecular consequence: splice acceptor variant.
Genome position (GRCh38, 1-based): chr16:68,833,288-68,833,500, 213 bases deleted. GRCh37 (hg19): chr16:68,867,191-68,867,403.
Other names: c.892-2_*1del (NM_001317185.2); c.475-2_*1del (NM_001317186.2); c.2257-2_*1del (NM_001317184.2).
Identifiers: ClinVar variation 1050280 (VCV001050280.2), dbSNP rs2152143824, ClinGen allele CA2499223679.